The following is an entry in ClinVar:

NM_178857.6(RP1L1):c.376G>A (p.Ala126Thr)

Gene: RP1L1 (RP1 like 1). Cytogenetic location: 8p23.1.
Variant type: single nucleotide variant.
Coding change: c.376G>A on transcript NM_178857.6 (MANE Select); coding-DNA position 376, G replaced by A.
Protein change: p.Ala126Thr; replaces alanine 126 with threonine.
Molecular consequence: missense variant.
Genome position (GRCh38, 1-based): chr8:10,622,826, C>T on the plus strand (G>A on the coding strand, the complement: RP1L1 is on the minus strand). VCF-style: chr8-10622826-C-T. GRCh37 (hg19) VCF-style: chr8-10480336-C-T.
Other names: short protein forms A126T.
Identifiers: ClinVar variation 1463957 (VCV001463957.8), dbSNP rs2117226221, ClinGen allele CA370300363.
Genomic context (GRCh38, chr8:10,622,826, plus strand): 5'-TCCGGGAGGAGGAGGTGCCTGGGGCTTCACGCTGGCCTTCGACATCCCGCAACTGCTGAG[C>T]AGTGGGGTTTCTCTCCTGTGGCCGGCCTGGTCCACTGGGGGTCTTGGGGGGCTTCTTATC-3'
Protein context (NP_849188.4, residues 116-136): PGRPQERNPT[Ala126Thr]QQLRDVEGQR

ClinVar aggregate classification (germline): Uncertain significance (1 of 4 stars; one submission).

Submission:

Labcorp Genetics (formerly Invitae), Labcorp
Classification: Uncertain significance. Last evaluated: 2022-07-12. Review status: criteria provided, single submitter. Criteria: Invitae Variant Classification Sherloc (09022015). Collection method: clinical testing. Allele origin: germline.
Comment: This variant is not present in population databases (gnomAD no frequency). This variant has not been reported in the literature in individuals affected with RP1L1-related conditions. ClinVar contains an entry for this variant (Variation ID: 1463957). Advanced modeling of protein sequence and biophysical properties (such as structural, functional, and spatial information, amino acid conservation, physicochemical variation, residue mobility, and thermodynamic stability) performed at Invitae indicates that this missense variant is not expected to disrupt RP1L1 protein function. In summary, the available evidence is currently insufficient to determine the role of this variant in disease. Therefore, it has been classified as a Variant of Uncertain Significance. This sequence change replaces alanine, which is neutral and non-polar, with threonine, which is neutral and polar, at codon 126 of the RP1L1 protein (p.Ala126Thr).